The following is an entry in ClinVar:

ClinVar aggregate classification (germline): Uncertain significance (1 of 4 stars; one submission).

Conditions:
Cardiovascular phenotype. Identifiers: MedGen CN230736.

gnomAD v4.1: 1 of 1,614,086 alleles (0.000062%); highest among the groups gnomAD compares: Non-Finnish European, 0.000085%; no homozygotes.

Submission:

Ambry Genetics
Classification: Uncertain significance for Cardiovascular phenotype. Last evaluated: 2026-03-15. Review status: criteria provided, single submitter. Criteria: Ambry Variant Classification Scheme 2023. Collection method: clinical testing. Allele origin: germline.
Comment: The p.D905E variant (also known as c.2715C>G), located in coding exon 25 of the ANK2 gene, results from a C to G substitution at nucleotide position 2715. The aspartic acid at codon 905 is replaced by glutamic acid, an amino acid with highly similar properties. This amino acid position is conserved. In addition, the in silico prediction for this alteration is inconclusive. Based on the available evidence, the clinical significance of this variant remains unclear.

NM_001148.6(ANK2):c.2715C>G (p.Asp905Glu)

Gene: ANK2 (ankyrin 2; plus strand). Cytogenetic location: 4q26.
Variant type: single nucleotide variant.
Coding change: c.2715C>G on transcript NM_001148.6 (MANE Select); coding-DNA position 2715, C replaced by G.
Protein change: p.Asp905Glu; replaces aspartic acid 905 with glutamic acid.
Molecular consequence: missense variant.
Genome position (GRCh38, 1-based): chr4:113,317,728, C>G. VCF-style: chr4-113317728-C-G. GRCh37 (hg19) VCF-style: chr4-114238884-C-G.
Other names: c.2553C>G, p.Asp851Glu (NM_001354257.2, NM_001354253.2, NM_001354270.2 and 1 more transcripts); c.2715C>G, p.Asp905Glu (NM_001354258.2, NM_020977.5, NM_001354228.2 and 1 more transcripts); c.2529C>G, p.Asp843Glu (NM_001354260.2, NM_001354271.2, NM_001386151.1); c.2673C>G, p.Asp891Glu (NM_001354261.2, NM_001386147.1); c.2652C>G, p.Asp884Glu (NM_001354262.2, NM_001354255.2, NM_001354243.2 and 3 more transcripts); c.2628C>G, p.Asp876Glu (NM_001354264.2, NM_001354266.2, NM_001354267.2 and 7 more transcripts); c.2712C>G, p.Asp904Glu (NM_001354265.2, NM_001354235.2, NM_001354236.2 and 1 more transcripts); c.2616C>G, p.Asp872Glu (NM_001354268.2, NM_001354245.2); and 17 more; short protein forms D114E, D777E, D810E, D834E, D838E, D843E, D851E, D871E.
Identifiers: ClinVar variation 4857985 (VCV004857985.1).
Genomic context (GRCh38, chr4:113,317,728, plus strand): 5'-GCTGTTGGTATATGCCATGGCCTCCTGCCAACCTACCAGCCTTCGATCCTTCAGTTCCGA[C>G]AGGTCTCACACTCTGAGCCATGCCTCCTACCTGAGGGACAGTGCCGTGATGGATGACTCA-3'
Protein context (NP_001139.3, residues 895-915): RSDSLRSFSS[Asp905Glu]RSHTLSHASY